The following is an entry in ClinVar:

ClinVar aggregate classification (germline): Uncertain significance (1 of 4 stars; one submission).

Submission:

Labcorp Genetics (formerly Invitae), Labcorp
Classification: Uncertain significance. Last evaluated: 2025-06-23. Review status: criteria provided, single submitter. Criteria: Invitae Variant Classification Sherloc (09022015). Collection method: clinical testing. Allele origin: germline.
Comment: This sequence change replaces aspartic acid, which is acidic and polar, with valine, which is neutral and non-polar, at codon 108 of the SPP2 protein (p.Asp108Val). This variant is not present in population databases (gnomAD no frequency). This variant has not been reported in the literature in individuals affected with SPP2-related conditions. An algorithm developed to predict the effect of missense changes on protein structure and function (PolyPhen-2) suggests that this variant is likely to be tolerated. In summary, the available evidence is currently insufficient to determine the role of this variant in disease. Therefore, it has been classified as a Variant of Uncertain Significance.

NM_006944.3(SPP2):c.323A>T (p.Asp108Val)

Gene: SPP2 (secreted phosphoprotein 2; plus strand). Cytogenetic location: 2q37.1.
Variant type: single nucleotide variant.
Coding change: c.323A>T on transcript NM_006944.3 (MANE Select); coding-DNA position 323, A replaced by T.
Protein change: p.Asp108Val; replaces aspartic acid 108 with valine.
Molecular consequence: missense variant.
Genome position (GRCh38, 1-based): chr2:234,058,948, A>T. VCF-style: chr2-234058948-A-T. GRCh37 (hg19) VCF-style: chr2-234967592-A-T.
Other names: short protein forms D108V.
Identifiers: ClinVar variation 4770912 (VCV004770912.1).